The following is an entry in ClinVar:

NM_153704.6(TMEM67):c.2245G>A (p.Val749Met)

Gene: TMEM67 (transmembrane protein 67; plus strand). Cytogenetic location: 8q22.1.
Variant type: single nucleotide variant.
Coding change: c.2245G>A on transcript NM_153704.6 (MANE Select); coding-DNA position 2245, G replaced by A.
Protein change: p.Val749Met; replaces valine 749 with methionine.
Molecular consequence: missense variant. On other transcripts: non-coding transcript variant (1).
Genome position (GRCh38, 1-based): chr8:93,803,607, G>A. VCF-style: chr8-93803607-G-A. GRCh37 (hg19) VCF-style: chr8-94815835-G-A.
Other names: c.2002G>A, p.Val668Met (NM_001142301.1); short protein forms V668M, V749M.
Identifiers: ClinVar variation 1506620 (VCV001506620.5), dbSNP rs753896569, ClinGen allele CA4808251.

ClinVar aggregate classification (germline): Uncertain significance (1 of 4 stars; one submission).

Conditions:
Meckel-Gruber syndrome. Also called: DYSENCEPHALIA SPLANCHNOCYSTICA; GRUBER SYNDROME; Dysencephalia splachnocystica. Identifiers: Orphanet 564, MedGen C0265215, MONDO:0018921.
Joubert syndrome. Also called: CEREBELLOPARENCHYMAL DISORDER IV; JOUBERT-BOLTSHAUSER SYNDROME; Familial aplasia of the vermis. Identifiers: Orphanet 475, MedGen C5979921, MONDO:0018772.

Allele frequency attached by ClinVar (database versions not stated): gnomAD exomes 0.00001.
gnomAD v4.1: 21 of 1,589,810 alleles (0.0013%); highest among the groups gnomAD compares: South Asian, 0.0033%; no homozygotes.

Submission:

Labcorp Genetics (formerly Invitae), Labcorp
Classification: Uncertain significance for Joubert syndrome; Meckel-Gruber syndrome. Last evaluated: 2024-10-21. Review status: criteria provided, single submitter. Criteria: Invitae Variant Classification Sherloc (09022015). Collection method: clinical testing. Allele origin: germline.
Comment: This sequence change replaces valine, which is neutral and non-polar, with methionine, which is neutral and non-polar, at codon 749 of the TMEM67 protein (p.Val749Met). This variant is present in population databases (rs753896569, gnomAD 0.005%). This variant has not been reported in the literature in individuals affected with TMEM67-related conditions. ClinVar contains an entry for this variant (Variation ID: 1506620). An algorithm developed to predict the effect of missense changes on protein structure and function outputs the following: PolyPhen-2: "Benign". The methionine amino acid residue is found in multiple mammalian species, which suggests that this missense change does not adversely affect protein function. In summary, the available evidence is currently insufficient to determine the role of this variant in disease. Therefore, it has been classified as a Variant of Uncertain Significance.